The following is an entry in ClinVar:

ClinVar aggregate classification (germline): Benign. Review status: criteria provided, multiple submitters, no conflicts (2 of 4 stars). 5 submissions from 5 submitters: Benign (4). 1 of the submissions does not count toward it. Last evaluated 2026-02-01.

Conditions:
DNMT3B-related disorder. Also called: DNMT3B-related condition.
Immunodeficiency-centromeric instability-facial anomalies syndrome 1 (ICF1). Identifiers: Orphanet 2268, MedGen C4551557, MONDO:0009454, OMIM 242860.
Centromeric instability of chromosomes 1,9 and 16 and immunodeficiency (ICF1). Also called: CENTROMERIC INSTABILITY, IMMUNODEFICIENCY SYNDROME; IMMUNE DEFICIENCY, VARIABLE, WITH CENTROMERIC INSTABILITY OF CHROMOSOMES 1, 9, AND 16; IMMUNODEFICIENCY SYNDROME, VARIABLE; Immunodeficiency-centromeric instability-facial anomalies. Identifiers: Orphanet 2268, MedGen C0398788, MONDO:0000133.

Allele frequency attached by ClinVar (database versions not stated): gnomAD 0.01863; TOPMed 0.02103; ESP Exome Variant Server 0.02260; 1000 Genomes Project 0.02296; 1000 Genomes Project 30x 0.02561.
gnomAD v4.1: 5,847 of 1,614,140 alleles (0.36%); highest among the groups gnomAD compares: African/African-American, 6.4%; 148 homozygotes.

Submissions (5):

Labcorp Genetics (formerly Invitae), Labcorp
Classification: Benign for Centromeric instability of chromosomes 1,9 and 16 and immunodeficiency. Last evaluated: 2026-02-01. Review status: criteria provided, single submitter. Criteria: Invitae Variant Classification Sherloc (09022015). Collection method: clinical testing. Allele origin: germline.

ARUP Laboratories, Molecular Genetics and Genomics, ARUP Laboratories
Classification: Benign. Last evaluated: 2025-03-13. Review status: criteria provided, single submitter. Criteria: ARUP Molecular Germline Variant Investigation Process 2024. Collection method: clinical testing. Allele origin: germline.

Illumina Laboratory Services, Illumina
Classification: Benign for Immunodeficiency-centromeric instability-facial anomalies syndrome 1. Last evaluated: 2018-01-12. Review status: criteria provided, single submitter. Criteria: ICSL Variant Classification Criteria 13 December 2019. Collection method: clinical testing. Allele origin: germline.
Comment: This variant was observed in the ICSL laboratory as part of a predisposition screen in an ostensibly healthy population. It had not been previously curated by ICSL or reported in the Human Gene Mutation Database (HGMD: prior to June 1st, 2018), and was therefore a candidate for classification through an automated scoring system. Utilizing variant allele frequency, disease prevalence and penetrance estimates, and inheritance mode, an automated score was calculated to assess if this variant is too frequent to cause the disease. Based on the score and internal cut-off values, a variant classified as benign is not then subjected to further curation. The score for this variant resulted in a classification of benign for this disease.

Breakthrough Genomics
Classification: Benign. Review status: criteria provided, single submitter. Criteria: ACMG Guidelines, 2015. Collection method: not provided. Allele origin: germline. Inheritance: Autosomal recessive inheritance. Affected: yes.

PreventionGenetics, part of Exact Sciences
Classification: Benign for DNMT3B-related condition. Last evaluated: 2019-04-30. Review status: no assertion criteria provided. Collection method: clinical testing. Allele origin: germline. Not counted in ClinVar's aggregate classification.
Comment: This variant is classified as benign based on ACMG/AMP sequence variant interpretation guidelines (Richards et al. 2015 PMID: 25741868, with internal and published modifications).

NM_006892.4(DNMT3B):c.1996+6C>T

Gene: DNMT3B (DNA methyltransferase 3 beta; plus strand). Cytogenetic location: 20q11.21.
Variant type: single nucleotide variant.
Coding change: c.1996+6C>T on transcript NM_006892.4 (MANE Select); 6 bases into the intron after coding-DNA position 1996, C replaced by T.
Molecular consequence: intron variant.
Genome position (GRCh38, 1-based): chr20:32,800,931, C>T. VCF-style: chr20-32800931-C-T. GRCh37 (hg19) VCF-style: chr20-31388737-C-T.
Other names: c.1936+6C>T (NM_175848.2, NM_175849.2); c.1810+6C>T (NM_001207055.2); c.1708+6C>T (NM_001207056.2); c.1972+6C>T (NM_175850.3).
Identifiers: ClinVar variation 338181 (VCV000338181.26), dbSNP rs77355896, ClinGen allele CA9810778.
Genomic context (GRCh38, chr20:32,800,931, plus strand): 5'-GGAAGCCCATGCAACGATCTCTCAAATGTGAATCCAGCCAGGAAAGGCCTGTATGGTGAG[C>T]ATCCTTCTCTCTGGCAGTCCCTGGAGAGCCTATGTCACCTGACCACTGGCCCAGGTGCAG-3'